The following is an entry in ClinVar:

NM_001035.3(RYR2):c.*713_*716dup

Gene: RYR2 (ryanodine receptor 2; plus strand). Cytogenetic location: 1q43.
Variant type: Duplication.
Coding change: c.*713_*716dup on transcript NM_001035.3 (MANE Select); 713 bases downstream of the stop codon through 716 bases downstream of the stop codon, 4 bases duplicated (CCCC; older notation c.*713_*716dupCCCC).
Molecular consequence: 3 prime UTR variant.
Genome position (GRCh38, 1-based): chr1:237,833,360-237,833,363, CCCC duplicated; duplicating any 4 consecutive bases within chr1:237,833,352-237,833,363 gives the same sequence; the c. name uses the placement nearest the transcript's 3' end. VCF-style (leftmost placement, unchanged base first): chr1-237833351-G-GCCCC. GRCh37 (hg19) VCF-style: chr1-237996651-G-GCCCC.
Identifiers: ClinVar variation 2640124 (VCV002640124.24), dbSNP rs397983403, ClinGen allele CA1013758487.
Genomic context (GRCh38, chr1:237,833,351, plus strand): 5'-AAACGGGTGGTGTGTCTCAGGACAAAAGGAGGCTCTTCTCATTCAGCTAAATTCACATTT[G>GCCCC]CCCCCCCCCCCCGCCCCCGCCCCCATATGCTCCTGCTATTATTTTGGTAATGCTCTGATG-3'

ClinVar aggregate classification (germline): Benign (1 of 4 stars; one submission).

Submission:

CeGaT Center for Human Genetics Tuebingen
Classification: Benign. Last evaluated: 2022-07-01. Review status: criteria provided, single submitter. Criteria: CeGaT Center For Human Genetics Tuebingen Variant Classification Criteria Version 2. Collection method: clinical testing. Allele origin: germline. Affected: yes. Observed: 1 variant allele.
Comment: RYR2: BS1, BS2